The following is an entry in ClinVar:

ClinVar aggregate classification (germline): Benign/Likely benign. Review status: criteria provided, multiple submitters, no conflicts (2 of 4 stars). 2 submissions from 2 submitters: Benign (1); Likely benign (1). Last evaluated 2024-07-09.

Conditions:
Oligodontia-cancer predisposition syndrome. Also called: TOOTH AGENESIS-COLORECTAL CANCER SYNDROME. Identifiers: MedGen C1837750, MONDO:0012075, OMIM 608615, Orphanet 300576. Disease mechanism: loss of function.

Submissions (2):

Myriad Genetics, Inc.
Classification: Benign for Oligodontia-cancer predisposition syndrome. Last evaluated: 2024-07-09. Review status: criteria provided, single submitter. Criteria: Myriad Autosomal Dominant, Autosomal Recessive and X-Linked Classification Criteria (2023). Collection method: clinical testing. Allele origin: unknown.
Comment: This variant is considered benign. This variant is a silent/synonymous amino acid change and it is not expected to impact splicing.

Labcorp Genetics (formerly Invitae), Labcorp
Classification: Likely benign for Oligodontia-cancer predisposition syndrome. Last evaluated: 2023-12-11. Review status: criteria provided, single submitter. Criteria: Invitae Variant Classification Sherloc (09022015). Collection method: clinical testing. Allele origin: germline.

NM_004655.4(AXIN2):c.1926G>A (p.Lys642=)

Gene: AXIN2 (axin 2; minus strand). Cytogenetic location: 17q24.1.
Variant type: single nucleotide variant.
Coding change: c.1926G>A on transcript NM_004655.4 (MANE Select); coding-DNA position 1926, G replaced by A.
Protein change: p.Lys642=; no amino-acid change (lysine 642 retained).
Molecular consequence: synonymous variant.
Genome position (GRCh38, 1-based): chr17:65,536,535, C>T on the plus strand (G>A on the coding strand, the complement: AXIN2 is on the minus strand). VCF-style: chr17-65536535-C-T. GRCh37 (hg19) VCF-style: chr17-63532653-C-T.
Other names: c.1731G>A, p.Lys577= (NM_001363813.1).
Identifiers: ClinVar variation 2859708 (VCV002859708.4), dbSNP rs2043921696, ClinGen allele CA501691015.